The following is an entry in ClinVar:

NM_178857.6(RP1L1):c.275C>T (p.Ala92Val)

Gene: RP1L1 (RP1 like 1). Cytogenetic location: 8p23.1.
Variant type: single nucleotide variant.
Coding change: c.275C>T on transcript NM_178857.6 (MANE Select); coding-DNA position 275, C replaced by T.
Protein change: p.Ala92Val; replaces alanine 92 with valine.
Molecular consequence: missense variant.
Genome position (GRCh38, 1-based): chr8:10,622,927, G>A on the plus strand (C>T on the coding strand, the complement: RP1L1 is on the minus strand). VCF-style: chr8-10622927-G-A. GRCh37 (hg19) VCF-style: chr8-10480437-G-A.
Other names: short protein forms A92V.
Identifiers: ClinVar variation 361419 (VCV000361419.9), dbSNP rs886062586, ClinGen allele CA10629898.

ClinVar aggregate classification (germline): Uncertain significance. Review status: criteria provided, multiple submitters, no conflicts (2 of 4 stars). 2 submissions from 2 submitters: Uncertain significance (2). Last evaluated 2021-11-23.

Conditions:
Occult macular dystrophy (OCMD). Also called: OCCULT MACULAR DYSTROPHY, SUSCEPTIBILITY TO; OMD. Identifiers: Orphanet 247834, MedGen C3150833, MONDO:0013316, OMIM 613587, HP:0030636.

Allele frequency attached by ClinVar (database versions not stated): gnomAD exomes below 0.00001 and 0.00001; gnomAD 0.00001.
gnomAD v4.1: 14 of 1,613,904 alleles (0.00087%); highest among the groups gnomAD compares: East Asian, 0.0022%; no homozygotes.

Submissions (2):

Labcorp Genetics (formerly Invitae), Labcorp
Classification: Uncertain significance. Last evaluated: 2021-11-23. Review status: criteria provided, single submitter. Criteria: Invitae Variant Classification Sherloc (09022015). Collection method: clinical testing. Allele origin: germline.
Comment: This sequence change replaces alanine, which is neutral and non-polar, with valine, which is neutral and non-polar, at codon 92 of the RP1L1 protein (p.Ala92Val). This variant is present in population databases (no rsID available, gnomAD 0.006%). This variant has not been reported in the literature in individuals affected with RP1L1-related conditions. ClinVar contains an entry for this variant (Variation ID: 361419). Advanced modeling of protein sequence and biophysical properties (such as structural, functional, and spatial information, amino acid conservation, physicochemical variation, residue mobility, and thermodynamic stability) performed at Invitae indicates that this missense variant is not expected to disrupt RP1L1 protein function. In summary, the available evidence is currently insufficient to determine the role of this variant in disease. Therefore, it has been classified as a Variant of Uncertain Significance.

Illumina Laboratory Services, Illumina
Classification: Uncertain significance for Occult macular dystrophy. Last evaluated: 2018-01-12. Review status: criteria provided, single submitter. Criteria: ICSL Variant Classification Criteria 13 December 2019. Collection method: clinical testing. Allele origin: germline.